The following is an entry in ClinVar:

ClinVar aggregate classification (germline): Uncertain significance (1 of 4 stars; one submission).

Conditions:
LAMA2-related muscular dystrophy (LAMA2-RD). Also called: Laminin alpha 2-related dystrophy. Identifiers: MedGen C5679788, MONDO:0100228.

Allele frequency attached by ClinVar (database versions not stated): gnomAD exomes below 0.00001.
gnomAD v4.1: 4 of 1,613,744 alleles (0.00025%); highest among the groups gnomAD compares: Non-Finnish European, 0.00034%; no homozygotes.

Submission:

Labcorp Genetics (formerly Invitae), Labcorp
Classification: Uncertain significance for LAMA2-related muscular dystrophy. Last evaluated: 2023-11-15. Review status: criteria provided, single submitter. Criteria: Invitae Variant Classification Sherloc (09022015). Collection method: clinical testing. Allele origin: germline.
Comment: This sequence change replaces leucine, which is neutral and non-polar, with serine, which is neutral and polar, at codon 1376 of the LAMA2 protein (p.Leu1376Ser). This variant is not present in population databases (gnomAD no frequency). This variant has not been reported in the literature in individuals affected with LAMA2-related conditions. Advanced modeling of protein sequence and biophysical properties (such as structural, functional, and spatial information, amino acid conservation, physicochemical variation, residue mobility, and thermodynamic stability) performed at Invitae indicates that this missense variant is not expected to disrupt LAMA2 protein function with a negative predictive value of 95%. In summary, the available evidence is currently insufficient to determine the role of this variant in disease. Therefore, it has been classified as a Variant of Uncertain Significance.

NM_000426.4(LAMA2):c.4127T>C (p.Leu1376Ser)

Gene: LAMA2 (laminin subunit alpha 2; plus strand). Cytogenetic location: 6q22.33.
Variant type: single nucleotide variant.
Coding change: c.4127T>C on transcript NM_000426.4 (MANE Select); coding-DNA position 4127, T replaced by C.
Protein change: p.Leu1376Ser; replaces leucine 1376 with serine.
Molecular consequence: missense variant.
Genome position (GRCh38, 1-based): chr6:129,320,606, T>C. VCF-style: chr6-129320606-T-C. GRCh37 (hg19) VCF-style: chr6-129641751-T-C.
Other names: c.4127T>C, p.Leu1376Ser (NM_001079823.2); short protein forms L1376S.
Identifiers: ClinVar variation 2995457 (VCV002995457.3), dbSNP rs2482439902, ClinGen allele CA365612755.